The following is an entry in ClinVar:

ClinVar aggregate classification (germline): Uncertain significance. Review status: criteria provided, multiple submitters, no conflicts (2 of 4 stars). 4 submissions from 4 submitters: Uncertain significance (4). Last evaluated 2025-05-05.

Conditions:
Autosomal recessive ataxia, Beauce type. Also called: SYNE1-Related Autosomal Recessive Cerebellar Ataxia; Spinocerebellar ataxia, autosomal recessive 8; ATAXIA, RECESSIVE, OF BEAUCE; SYNE1 Deficiency. Identifiers: Orphanet 88644, MedGen C1853116, MONDO:0012549, OMIM 610743.
Emery-Dreifuss muscular dystrophy 4, autosomal dominant (EDMD4). Also called: EMERY-DREIFUSS MUSCULAR DYSTROPHY 4 WITH VARIABLE FEATURES. Identifiers: Orphanet 261, MedGen C2751807, MONDO:0013071, OMIM 612998.

Allele frequency attached by ClinVar (database versions not stated): gnomAD 0.00017 and 0.00015; TOPMed 0.00019; 1000 Genomes Project 30x 0.00031; 1000 Genomes Project 0.00040; ESP Exome Variant Server 0.00008; ExAC 0.00012; gnomAD exomes 0.00012 and 0.00013.
gnomAD v4.1: 215 of 1,613,362 alleles (0.013%); highest among the groups gnomAD compares: African/African-American, 0.045%; 1 homozygote.

Submissions (4):

Labcorp Genetics (formerly Invitae), Labcorp
Classification: Uncertain significance for Emery-Dreifuss muscular dystrophy 4, autosomal dominant; Autosomal recessive ataxia, Beauce type. Last evaluated: 2025-05-05. Review status: criteria provided, single submitter. Criteria: Invitae Variant Classification Sherloc (09022015). Collection method: clinical testing. Allele origin: germline.
Comment: This sequence change replaces glutamic acid, which is acidic and polar, with lysine, which is basic and polar, at codon 6202 of the SYNE1 protein (p.Glu6202Lys). This variant is present in population databases (rs201346604, gnomAD 0.04%). This variant has not been reported in the literature in individuals affected with SYNE1-related conditions. ClinVar contains an entry for this variant (Variation ID: 538396). An algorithm developed to predict the effect of missense changes on protein structure and function (PolyPhen-2) suggests that this variant is likely to be tolerated. In summary, the available evidence is currently insufficient to determine the role of this variant in disease. Therefore, it has been classified as a Variant of Uncertain Significance.

Revvity Omics, Revvity
Classification: Uncertain significance. Last evaluated: 2024-08-19. Review status: criteria provided, single submitter. Criteria: ACMG Guidelines, 2015. Collection method: clinical testing. Allele origin: germline.

Athena Diagnostics
Classification: Uncertain significance. Last evaluated: 2021-11-10. Review status: criteria provided, single submitter. Criteria: Athena Diagnostics Criteria. Collection method: clinical testing. Allele origin: unknown.

Eurofins Ntd Llc (ga)
Classification: Uncertain significance. Last evaluated: 2018-05-16. Review status: criteria provided, single submitter. Criteria: EGL ClinVar v180209 classification definitions. Collection method: clinical testing. Allele origin: germline. Observed: 1 variant allele, 1 heterozygote.

NM_182961.4(SYNE1):c.18817G>A (p.Glu6273Lys)

Gene: SYNE1 (spectrin repeat containing nuclear envelope protein 1; minus strand). Cytogenetic location: 6q25.2.
Variant type: single nucleotide variant.
Coding change: c.18817G>A on transcript NM_182961.4 (MANE Select); coding-DNA position 18817, G replaced by A.
Protein change: p.Glu6273Lys; replaces glutamic acid 6273 with lysine.
Molecular consequence: missense variant.
Genome position (GRCh38, 1-based): chr6:152,262,187, C>T on the plus strand (G>A on the coding strand, the complement: SYNE1 is on the minus strand). VCF-style: chr6-152262187-C-T. GRCh37 (hg19) VCF-style: chr6-152583322-C-T.
Other names: c.18604G>A, p.Glu6202Lys (NM_033071.5); short protein forms E6273K, E6202K.
Identifiers: ClinVar variation 538396 (VCV000538396.15), dbSNP rs201346604, ClinGen allele CA4054836.